The following is an entry in ClinVar:

ClinVar aggregate classification (germline): Uncertain significance (1 of 4 stars; one submission).

Conditions:
Stormorken syndrome (STRMK). Also called: THROMBOCYTOPATHY, ASPLENIA, AND MIOSIS. Identifiers: Orphanet 3204, MedGen C1861451, MONDO:0008497, OMIM 185070.
Combined immunodeficiency due to STIM1 deficiency. Also called: IMMUNODEFICIENCY 10; STIM1 DEFICIENCY. Identifiers: Orphanet 169090, Orphanet 317430, MedGen C2748557, MONDO:0013008, OMIM 612783.
Myopathy with tubular aggregates (TAM). Also called: Tubular Aggregate Myopathy. Identifiers: Orphanet 2593, MedGen C0410207, MONDO:0008051.

Allele frequency attached by ClinVar (database versions not stated): gnomAD exomes below 0.00001; TOPMed below 0.00001.
gnomAD v4.1: 1 of 1,614,234 alleles (0.000062%); highest among the groups gnomAD compares: Non-Finnish European, 0.000085%; no homozygotes.

Submission:

Labcorp Genetics (formerly Invitae), Labcorp
Classification: Uncertain significance for Myopathy with tubular aggregates; Combined immunodeficiency due to STIM1 deficiency; Stormorken syndrome. Last evaluated: 2023-12-25. Review status: criteria provided, single submitter. Criteria: Invitae Variant Classification Sherloc (09022015). Collection method: clinical testing. Allele origin: germline.
Comment: This sequence change replaces threonine, which is neutral and polar, with isoleucine, which is neutral and non-polar, at codon 626 of the STIM1 protein (p.Thr626Ile). This variant is not present in population databases (gnomAD no frequency). This variant has not been reported in the literature in individuals affected with STIM1-related conditions. ClinVar contains an entry for this variant (Variation ID: 2197182). Advanced modeling of protein sequence and biophysical properties (such as structural, functional, and spatial information, amino acid conservation, physicochemical variation, residue mobility, and thermodynamic stability) has been performed at Invitae for this missense variant, however the output from this modeling did not meet the statistical confidence thresholds required to predict the impact of this variant on STIM1 protein function. In summary, the available evidence is currently insufficient to determine the role of this variant in disease. Therefore, it has been classified as a Variant of Uncertain Significance.

NM_001382567.1(STIM1):c.1970C>T (p.Thr657Ile)

Genes: STIM1 (stromal interaction molecule 1; plus strand), LOC124418421 (Sharpr-MPRA regulatory region 9588; plus strand). Cytogenetic location: 11p15.4.
Variant type: single nucleotide variant.
Coding change: c.1970C>T on transcript NM_001382567.1 (MANE Select); coding-DNA position 1970, C replaced by T.
Protein change: p.Thr657Ile; replaces threonine 657 with isoleucine.
Molecular consequence: missense variant. On other transcripts: 3 prime UTR variant (4), non-coding transcript variant (3).
Genome position (GRCh38, 1-based): chr11:4,091,617, C>T. VCF-style: chr11-4091617-C-T. GRCh37 (hg19) VCF-style: chr11-4112847-C-T.
Other names: c.2195C>T, p.Thr732Ile (NM_001277961.3); c.*291C>T (NM_001277962.2, NM_001382578.1, NM_001382579.1 and 1 more transcripts); c.1973C>T, p.Thr658Ile (NM_001382566.1); c.1898C>T, p.Thr633Ile (NM_001382568.1); c.1742C>T, p.Thr581Ile (NM_001382569.1); c.1649C>T, p.Thr550Ile (NM_001382570.1); c.1397C>T, p.Thr466Ile (NM_001382571.1); c.1655C>T, p.Thr552Ile (NM_001382575.1, NM_001382576.1, NM_001382577.1); and 2 more; short protein forms T463I, T552I, T633I, T732I, T626I, T657I, T466I, T550I.
Identifiers: ClinVar variation 2197182 (VCV002197182.4), dbSNP rs2094525747, ClinGen allele CA379197764.
Genomic context (GRCh38, chr11:4,091,617, plus strand): 5'-GTGGCTCTCCACATTTGGATTCTTCCCGTTCTCACAGCCCCAGCTCCCCAGACCCAGACA[C>T]ACCATCTCCAGTTGGGGACAGCCGAGCCCTGCAAGCCAGCCGAAACACACGCATTCCCCA-3'
Protein context (NP_001369496.1, residues 647-667): SHSPSSPDPD[Thr657Ile]PSPVGDSRAL